The following is an entry in ClinVar:

NM_005060.4(RORC):c.1198A>G (p.Ile400Val)

Gene: RORC (RAR related orphan receptor C; minus strand). Cytogenetic location: 1q21.3.
Variant type: single nucleotide variant.
Coding change: c.1198A>G on transcript NM_005060.4 (MANE Select); coding-DNA position 1198, A replaced by G.
Protein change: p.Ile400Val; replaces isoleucine 400 with valine.
Molecular consequence: missense variant.
Genome position (GRCh38, 1-based): chr1:151,813,034, T>C on the plus strand (A>G on the coding strand, the complement: RORC is on the minus strand). VCF-style: chr1-151813034-T-C. GRCh37 (hg19) VCF-style: chr1-151785510-T-C.
Other names: c.1135A>G, p.Ile379Val (NM_001001523.2); short protein forms I400V, I379V.
Identifiers: ClinVar variation 1405773 (VCV001405773.3), dbSNP rs200134900, ClinGen allele CA1095716.

ClinVar aggregate classification (germline): Uncertain significance (1 of 4 stars; one submission).

Conditions:
Autosomal recessive mendelian susceptibility to mycobacterial diseases due to complete RORgamma receptor deficiency. Also called: Immunodeficiency 42. Identifiers: Orphanet 477857, MedGen C5567647, MONDO:0014710, OMIM 616622.

Allele frequency attached by ClinVar (database versions not stated): gnomAD 0.00003; gnomAD exomes 0.00005 and 0.00012; ExAC 0.00016.
gnomAD v4.1: 75 of 1,613,902 alleles (0.0046%); highest among the groups gnomAD compares: South Asian, 0.079%; 1 homozygote.

Submission:

Labcorp Genetics (formerly Invitae), Labcorp
Classification: Uncertain significance for Autosomal recessive mendelian susceptibility to mycobacterial diseases due to complete RORgamma receptor deficiency. Last evaluated: 2022-02-09. Review status: criteria provided, single submitter. Criteria: Invitae Variant Classification Sherloc (09022015). Collection method: clinical testing. Allele origin: germline.
Comment: This sequence change replaces isoleucine, which is neutral and non-polar, with valine, which is neutral and non-polar, at codon 400 of the RORC protein (p.Ile400Val). This variant is present in population databases (rs200134900, gnomAD 0.09%). This variant has not been reported in the literature in individuals affected with RORC-related conditions. Algorithms developed to predict the effect of missense changes on protein structure and function (SIFT, PolyPhen-2, Align-GVGD) all suggest that this variant is likely to be tolerated. In summary, the available evidence is currently insufficient to determine the role of this variant in disease. Therefore, it has been classified as a Variant of Uncertain Significance.